The following is an entry in ClinVar:

NM_001081.4(CUBN):c.4907G>T (p.Arg1636Leu)

Gene: CUBN (cubilin; minus strand). Cytogenetic location: 10p13.
Variant type: single nucleotide variant.
Coding change: c.4907G>T on transcript NM_001081.4 (MANE Select); coding-DNA position 4907, G replaced by T.
Protein change: p.Arg1636Leu; replaces arginine 1636 with leucine.
Molecular consequence: missense variant.
Genome position (GRCh38, 1-based): chr10:16,952,338, C>A on the plus strand (G>T on the coding strand, the complement: CUBN is on the minus strand). VCF-style: chr10-16952338-C-A. GRCh37 (hg19) VCF-style: chr10-16994337-C-A.
Other names: c.4907G>T (NM_001081.3); short protein forms R1636L.
Identifiers: ClinVar variation 1370428 (VCV001370428.8), dbSNP rs538984401, ClinGen allele CA5424214.

ClinVar aggregate classification (germline): Conflicting classifications of pathogenicity. Review status: criteria provided, conflicting classifications (1 of 4 stars). 3 submissions from 3 submitters: Uncertain significance (2); Likely benign (1). Last evaluated 2025-09-24.

Conditions:
Imerslund-Grasbeck syndrome. Also called: PERNICIOUS ANEMIA, JUVENILE, DUE TO SELECTIVE INTESTINAL MALABSORPTION OF VITAMIN B12, WITH PROTEINURIA; Megaloblastic anemia due to inborn errors of metabolism; ENTEROCYTE COBALAMIN MALABSORPTION; ENTEROCYTE INTRINSIC FACTOR RECEPTOR, DEFECT OF; Imerslund-Gräsbeck syndrome. Identifiers: Orphanet 35858, MedGen C4551825, MONDO:0009853.
Proteinuria, chronic benign. Identifiers: MedGen C5394384, MONDO:0030042, OMIM 618884.
Imerslund-Grasbeck syndrome type 1 (IGS1). Also called: Imerslund-Gräsbeck syndrome 1; Megaloblastic anemia 1, Finnish type; MEGALOBLASTIC ANEMIA, 1. Identifiers: MedGen C4016819, MONDO:0100156, OMIM 261100.
Inborn genetic diseases. Identifiers: MedGen C0950123, MeSH D030342.

Allele frequency attached by ClinVar (database versions not stated): gnomAD 0.00001; 1000 Genomes Project 30x 0.00016; TOPMed 0.00005; ExAC 0.00008; 1000 Genomes Project 0.00020; gnomAD exomes 0.00006.
gnomAD v4.1: 16 of 1,613,886 alleles (0.00099%); highest among the groups gnomAD compares: East Asian, 0.036%; no homozygotes.

Submissions (3):

Labcorp Genetics (formerly Invitae), Labcorp
Classification: Uncertain significance for Imerslund-Grasbeck syndrome. Last evaluated: 2025-09-24. Review status: criteria provided, single submitter. Criteria: Invitae Variant Classification Sherloc (09022015). Collection method: clinical testing. Allele origin: germline.
Comment: This sequence change replaces arginine, which is basic and polar, with leucine, which is neutral and non-polar, at codon 1636 of the CUBN protein (p.Arg1636Leu). This variant is present in population databases (rs538984401, gnomAD 0.08%). This variant has not been reported in the literature in individuals affected with CUBN-related conditions. ClinVar contains an entry for this variant (Variation ID: 1370428). Invitae Evidence Modeling of protein sequence and biophysical properties (such as structural, functional, and spatial information, amino acid conservation, physicochemical variation, residue mobility, and thermodynamic stability) indicates that this missense variant is not expected to disrupt CUBN protein function with a negative predictive value of 80%. In summary, the available evidence is currently insufficient to determine the role of this variant in disease. Therefore, it has been classified as a Variant of Uncertain Significance.

Fulgent Genetics
Classification: Uncertain significance for Imerslund-Grasbeck syndrome type 1; Proteinuria, chronic benign. Last evaluated: 2022-04-27. Review status: criteria provided, single submitter. Criteria: ACMG Guidelines, 2015. Collection method: clinical testing. Allele origin: unknown.

Ambry Genetics
Classification: Likely benign for Inborn genetic diseases. Last evaluated: 2021-08-02. Review status: criteria provided, single submitter. Criteria: Ambry Variant Classification Scheme 2023. Collection method: clinical testing. Allele origin: germline.